The following is an entry in ClinVar:

ClinVar aggregate classification (germline): Likely pathogenic (1 of 4 stars; one submission).

Conditions:
Congenital myotonia, autosomal dominant form (THD). Also called: THOMSEN DISEASE; Myotonia congenita autosomal dominant. Identifiers: Orphanet 614, MedGen C2936781, MONDO:0008055, OMIM 160800.
Congenital myotonia, autosomal recessive form. Also called: BECKER DISEASE; Becker Generalized Myotonia; myotonia congenita, autosomal recessive. Identifiers: Orphanet 614, MedGen C0751360, MONDO:0009715, OMIM 255700.

gnomAD v4.1: 1 of 1,611,518 alleles (0.000062%); highest among the groups gnomAD compares: Non-Finnish European, 0.000085%; no homozygotes.

Submission:

Labcorp Genetics (formerly Invitae), Labcorp
Classification: Likely pathogenic for Congenital myotonia, autosomal recessive form; Congenital myotonia, autosomal dominant form. Last evaluated: 2023-11-13. Review status: criteria provided, single submitter. Criteria: Invitae Variant Classification Sherloc (09022015). Collection method: clinical testing. Allele origin: germline.
Comment: This sequence change replaces alanine, which is neutral and non-polar, with threonine, which is neutral and polar, at codon 331 of the CLCN1 protein (p.Ala331Thr). This variant is not present in population databases (gnomAD no frequency). This missense change has been observed in individuals with autosomal dominant myotonia congenita (PMID: 11840191; Invitae). Advanced modeling of protein sequence and biophysical properties (such as structural, functional, and spatial information, amino acid conservation, physicochemical variation, residue mobility, and thermodynamic stability) performed at Invitae indicates that this missense variant is expected to disrupt CLCN1 protein function with a positive predictive value of 95%. Experimental studies have shown that this missense change affects CLCN1 function (PMID: 12196568). In summary, the currently available evidence indicates that the variant is pathogenic, but additional data are needed to prove that conclusively. Therefore, this variant has been classified as Likely Pathogenic.

Literature cited by the submitters: PubMed 11840191; PubMed 12196568.

NM_000083.3(CLCN1):c.991G>A (p.Ala331Thr)

Gene: CLCN1 (chloride voltage-gated channel 1; plus strand). Cytogenetic location: 7q34.
Variant type: single nucleotide variant.
Coding change: c.991G>A on transcript NM_000083.3 (MANE Select); coding-DNA position 991, G replaced by A.
Protein change: p.Ala331Thr; replaces alanine 331 with threonine.
Molecular consequence: missense variant. On other transcripts: non-coding transcript variant (1).
Genome position (GRCh38, 1-based): chr7:143,331,243, G>A. VCF-style: chr7-143331243-G-A. GRCh37 (hg19) VCF-style: chr7-143028336-G-A.
Other names: short protein forms A331T.
Identifiers: ClinVar variation 2925423 (VCV002925423.3), dbSNP rs2487058978, ClinGen allele CA369641787.